The following is an entry in ClinVar:

ClinVar aggregate classification (germline): Likely benign. Review status: criteria provided, multiple submitters, no conflicts (2 of 4 stars). 2 submissions from 2 submitters: Likely benign (2). Last evaluated 2026-08-25.

Conditions:
Mucopolysaccharidosis type 6 (MPS6). Also called: ARSB DEFICIENCY; ARYLSULFATASE B DEFICIENCY; MPS 6; Maroteaux Lamy syndrome; MPS VI; N-ACETYLGALACTOSAMINE-4-SULFATASE DEFICIENCY. Identifiers: Orphanet 583, MedGen C0026709, MONDO:0009661, OMIM 253200.
ARSB-related disorder. Also called: ARSB-related condition.

Allele frequency attached by ClinVar (database versions not stated): gnomAD 0.00001 and 0.00003; gnomAD exomes 0.00001 and 0.00002; ExAC 0.00002; TOPMed 0.00003; 1000 Genomes Project 30x 0.00031; 1000 Genomes Project 0.00040.
gnomAD v4.1: 22 of 1,613,908 alleles (0.0014%); highest among the groups gnomAD compares: East Asian, 0.018%; no homozygotes.

Submissions (2):

PreventionGenetics, part of Exact Sciences
Classification: Likely benign for ARSB-related condition. Last evaluated: 2026-08-25. Review status: criteria provided, single submitter. Criteria: ACMG Guidelines, 2015. Collection method: clinical testing. Allele origin: germline.
Comment: This variant is classified as likely benign based on ACMG/AMP sequence variant interpretation guidelines (Richards et al. 2015 PMID: 25741868, with internal and published modifications).

Labcorp Genetics (formerly Invitae), Labcorp
Classification: Likely benign for Mucopolysaccharidosis type 6. Last evaluated: 2025-12-31. Review status: criteria provided, single submitter. Criteria: Invitae Variant Classification Sherloc (09022015). Collection method: clinical testing. Allele origin: germline.

NM_000046.5(ARSB):c.597C>T (p.Gly199=)

Gene: ARSB (arylsulfatase B; minus strand). Cytogenetic location: 5q14.1.
Variant type: single nucleotide variant.
Coding change: c.597C>T on transcript NM_000046.5 (MANE Select); coding-DNA position 597, C replaced by T.
Protein change: p.Gly199=; no amino-acid change (glycine 199 retained).
Molecular consequence: synonymous variant.
Genome position (GRCh38, 1-based): chr5:78,964,509, G>A on the plus strand (C>T on the coding strand, the complement: ARSB is on the minus strand). VCF-style: chr5-78964509-G-A. GRCh37 (hg19) VCF-style: chr5-78260332-G-A.
Other names: c.597C>T (NM_000046.3); c.597C>T, p.Gly199= (NM_198709.3).
Identifiers: ClinVar variation 1470382 (VCV001470382.7), dbSNP rs570750353, ClinGen allele CA3318224.